The following is an entry in ClinVar:

ClinVar aggregate classification (germline): Uncertain significance. Review status: criteria provided, multiple submitters, no conflicts (2 of 4 stars). 2 submissions from 2 submitters: Uncertain significance (2). Last evaluated 2024-10-14.

Allele frequency attached by ClinVar (database versions not stated): TOPMed below 0.00001; gnomAD 0.00001.
gnomAD v4.1: 1 of 1,613,996 alleles (0.000062%); highest among the groups gnomAD compares: African/African-American, 0.0013%; no homozygotes.

Submissions (2):

Ambry Genetics
Classification: Uncertain significance. Last evaluated: 2024-10-14. Review status: criteria provided, single submitter. Criteria: Ambry Variant Classification Scheme 2023. Collection method: clinical testing. Allele origin: germline.
Comment: The p.C434R variant (also known as c.1300T>C), located in coding exon 9 of the RINT1 gene, results from a T to C substitution at nucleotide position 1300. The cysteine at codon 434 is replaced by arginine, an amino acid with highly dissimilar properties. This amino acid position is conserved. In addition, this alteration is predicted to be tolerated by in silico analysis. Since supporting evidence is limited at this time, the clinical significance of this alteration remains unclear.

Labcorp Genetics (formerly Invitae), Labcorp
Classification: Uncertain significance. Last evaluated: 2022-02-11. Review status: criteria provided, single submitter. Criteria: Invitae Variant Classification Sherloc (09022015). Collection method: clinical testing. Allele origin: germline.
Comment: In summary, the available evidence is currently insufficient to determine the role of this variant in disease. Therefore, it has been classified as a Variant of Uncertain Significance. This sequence change replaces cysteine, which is neutral and slightly polar, with arginine, which is basic and polar, at codon 434 of the RINT1 protein (p.Cys434Arg). This variant is not present in population databases (gnomAD no frequency). This variant has not been reported in the literature in individuals affected with RINT1-related conditions. ClinVar contains an entry for this variant (Variation ID: 953516). Algorithms developed to predict the effect of missense changes on protein structure and function are either unavailable or do not agree on the potential impact of this missense change (SIFT: "Tolerated"; PolyPhen-2: "Possibly Damaging"; Align-GVGD: "Class C0").

NM_021930.6(RINT1):c.1300T>C (p.Cys434Arg)

Gene: RINT1 (RAD50 interactor 1; plus strand). Cytogenetic location: 7q22.3.
Variant type: single nucleotide variant.
Coding change: c.1300T>C on transcript NM_021930.6 (MANE Select); coding-DNA position 1300, T replaced by C.
Protein change: p.Cys434Arg; replaces cysteine 434 with arginine.
Molecular consequence: missense variant. On other transcripts: non-coding transcript variant (1).
Genome position (GRCh38, 1-based): chr7:105,550,453, T>C. VCF-style: chr7-105550453-T-C. GRCh37 (hg19) VCF-style: chr7-105190900-T-C.
Other names: c.1066T>C, p.Cys356Arg (NM_001346599.2); c.277T>C, p.Cys93Arg (NM_001346600.2, NM_001346603.2); c.376T>C, p.Cys126Arg (NM_001346601.2); short protein forms C356R, C434R, C93R, C126R.
Identifiers: ClinVar variation 953516 (VCV000953516.13), dbSNP rs1358061744, ClinGen allele CA368809396.